The following is an entry in ClinVar:

NM_000053.4(ATP7B):c.1168A>G (p.Ile390Val)

Gene: ATP7B (ATPase copper transporting beta; minus strand). Cytogenetic location: 13q14.3.
Variant type: single nucleotide variant.
Coding change: c.1168A>G on transcript NM_000053.4 (MANE Select); coding-DNA position 1168, A replaced by G.
Protein change: p.Ile390Val; replaces isoleucine 390 with valine.
Molecular consequence: missense variant.
Genome position (GRCh38, 1-based): chr13:51,974,052, T>C on the plus strand (A>G on the coding strand, the complement: ATP7B is on the minus strand). VCF-style: chr13-51974052-T-C. GRCh37 (hg19) VCF-style: chr13-52548188-T-C.
Other names: c.1168A>G, p.Ile390Val (NM_001005918.3, NM_001330578.2, NM_001330579.2); c.835A>G, p.Ile279Val (NM_001243182.2); short protein forms I279V, I390V.
Identifiers: ClinVar variation 917697 (VCV000917697.12), dbSNP rs770903362, ClinGen allele CA6989427.

ClinVar aggregate classification (germline): Conflicting classifications of pathogenicity. Review status: criteria provided, conflicting classifications (1 of 4 stars). 10 submissions from 10 submitters: Uncertain significance (7); Likely benign (1). 2 of the submissions do not count toward it. Last evaluated 2024-01-01.

Conditions:
Inborn genetic diseases. Identifiers: MedGen C0950123, MeSH D030342.
Wilson disease (WND). Also called: Wilson's disease. Identifiers: Orphanet 905, MedGen C0019202, MONDO:0010200, OMIM 277900. Disease mechanism: loss of function.
ATP7B-related disorder. Also called: ATP7B-related condition.

Allele frequency attached by ClinVar (database versions not stated): ExAC 0.00002; gnomAD 0.00001 and 0.00003; gnomAD exomes 0.00001 and 0.00002; TOPMed 0.00002.
gnomAD v4.1: 23 of 1,614,072 alleles (0.0014%); highest among the groups gnomAD compares: East Asian, 0.0067%; no homozygotes.

Submissions (10):

Chongqing Key Laboratory of Child Rare Diseases in Infection and Immunity, Children’s Hospital of Chongqing Medical University
Classification: Uncertain significance for Wilson disease. Last evaluated: 2024-01-01. Review status: criteria provided, single submitter. Criteria: ACMG Guidelines, 2015. Collection method: clinical testing. Allele origin: germline. Inheritance: Autosomal recessive inheritance. Affected: yes.
Comment: Classified as Uncertain significance according to the ACMG/AMP 2015 guidelines (PMID:25741868). The classification was based on the available submitted evidence for Wilson disease (OMIM:277900), including clinical-testing observations, variant consequence/protein annotation, and published or ClinVar evidence where available. Supporting information considered: variant annotation: p.Ile390Val; Missense; Protein domain: N-ter (MBD1-6); submitted notation: NM_000053.4:c.1168A>G (p.Ile390Val); source variant type: Missense; source domain: N-ter (MBD1-6); allele count n=230: 3.

All of Us Research Program, National Institutes of Health
Classification: Uncertain significance for Wilson disease. Last evaluated: 2023-12-13. Review status: criteria provided, single submitter. Criteria: ACMG Guidelines, 2015. Collection method: clinical testing. Allele origin: germline. Inheritance: Autosomal recessive inheritance. Observed: 8 variant alleles, 8 heterozygotes.
Comment: This missense variant replaces isoleucine with valine at codon 390 of the ATP7B protein. Computational prediction suggests that this variant may not impact protein structure and function (internally defined REVEL score threshold <= 0.5, PMID: 27666373). To our knowledge, functional studies have not been reported for this variant. This variant has been reported in individuals affected with Wilson disease (PMID: 11405812, 24878384, 27022412, 27982432). In one of these individuals, this variant was reported in the compound heterozygous state (PMID: 24878384). This variant has been identified in 5/280962 chromosomes in the general population by the Genome Aggregation Database (gnomAD). The available evidence is insufficient to determine the role of this variant in disease conclusively. Therefore, this variant is classified as a Variant of Uncertain Significance.

This study involves interpretation of variants in research participants for the purpose of population health screening. Participant phenotype was not available at the time of variant classification. Additional details can be found in publication PMID: 35346344, PMCID: PMC8962531

GeneDx
Classification: Uncertain significance. Last evaluated: 2023-12-07. Review status: criteria provided, single submitter. Criteria: GeneDx Variant Classification Process June 2021. Collection method: clinical testing. Allele origin: germline. Affected: yes.
Comment: In silico analysis supports that this missense variant does not alter protein structure/function; This variant is associated with the following publications: (PMID: 34426522, 33763395, 35470480, 29063292, 27022412, 35220961, 27982432, 9829905, 27706781, 34002136, 11405812, 23235335, 37681011, Zhang[article]2011, 24878384, 32281751)

Color Diagnostics, LLC DBA Color Health
Classification: Uncertain significance for Wilson disease. Last evaluated: 2022-09-27. Review status: criteria provided, single submitter. Criteria: ACMG Guidelines, 2015. Collection method: clinical testing. Allele origin: germline.
Comment: This missense variant replaces isoleucine with valine at codon 390 of the ATP7B protein. Computational prediction suggests that this variant may not impact protein structure and function. To our knowledge, functional studies have not been reported for this variant. This variant has been reported in individuals affected with Wilson disease (PMID: 11405812, 24878384, 27022412, 27982432). In one of these individuals, this variant was reported in the compound heterozygous state (PMID: 24878384). This variant has been identified in 5/280962 chromosomes in the general population by the Genome Aggregation Database (gnomAD). The available evidence is insufficient to determine the role of this variant in disease conclusively. Therefore, this variant is classified as a Variant of Uncertain Significance.

Labcorp Genetics (formerly Invitae), Labcorp
Classification: Uncertain significance for Wilson disease. Last evaluated: 2022-05-17. Review status: criteria provided, single submitter. Criteria: Invitae Variant Classification Sherloc (09022015). Collection method: clinical testing. Allele origin: germline.
Comment: This sequence change replaces isoleucine, which is neutral and non-polar, with valine, which is neutral and non-polar, at codon 390 of the ATP7B protein (p.Ile390Val). This variant is present in population databases (rs770903362, gnomAD 0.02%). This missense change has been observed in individuals with Wilson disease (PMID: 24878384, 27022412). ClinVar contains an entry for this variant (Variation ID: 917697). Advanced modeling of protein sequence and biophysical properties (such as structural, functional, and spatial information, amino acid conservation, physicochemical variation, residue mobility, and thermodynamic stability) performed at Invitae indicates that this missense variant is not expected to disrupt ATP7B protein function. Algorithms developed to predict the effect of sequence changes on RNA splicing suggest that this variant may create or strengthen a splice site. In summary, the available evidence is currently insufficient to determine the role of this variant in disease. Therefore, it has been classified as a Variant of Uncertain Significance.

Fulgent Genetics
Classification: Uncertain significance for Wilson disease. Last evaluated: 2022-01-08. Review status: criteria provided, single submitter. Criteria: ACMG Guidelines, 2015. Collection method: clinical testing. Allele origin: unknown.

Women's Health and Genetics/Laboratory Corporation of America, LabCorp
Classification: Uncertain significance. Last evaluated: 2020-02-07. Review status: criteria provided, single submitter. Criteria: LabCorp Variant Classification Summary - May 2015. Collection method: clinical testing. Allele origin: germline.
Comment: Variant summary: ATP7B c.1168A>G (p.Ile390Val) results in a conservative amino acid change located in the Heavy metal-associated (HMA) domain (IPR006121) of the encoded protein sequence. Five of five in-silico tools predict a benign effect of the variant on protein function. The variant allele was found at a frequency of 1.6e-05 in 249556 control chromosomes (gnomAD). The available data on variant occurrences in the general population are insufficient to allow any conclusion about variant significance. c.1168A>G has been reported in the literature in individuals affected with Wilson Disease (e.g. Dong_2016, Lu_2014). However, several reports also state this variant as a polymorphism (e.g.Tsai_1999, Zhang_2016). To our knowledge, no experimental evidence demonstrating an impact on protein function has been reported. No clinical diagnostic laboratories have submitted clinical-significance assessments for this variant to ClinVar after 2014. Based on the evidence outlined above, the variant was classified as uncertain significance.

Ambry Genetics
Classification: Likely benign for Inborn genetic diseases. Last evaluated: 2016-10-11. Review status: criteria provided, single submitter. Criteria: Ambry Variant Classification Scheme 2023. Collection method: clinical testing. Allele origin: germline.

PreventionGenetics, part of Exact Sciences
Classification: Uncertain significance for ATP7B-related condition. Last evaluated: 2023-12-18. Review status: no assertion criteria provided. Collection method: clinical testing. Allele origin: germline. Not counted in ClinVar's aggregate classification.
Comment: The ATP7B c.1168A>G variant is predicted to result in the amino acid substitution p.Ile390Val. This variant has been reported in individuals with Wilson disease. However, carriers of this variant also harbored additional ATP7B variants that are more likely to be the primary cause of disease (Fang et al. 2021. PubMed ID: 33763395; Zhang et al. 2022. PubMed ID: 35220961; Huang et al. 2022. PubMed ID: 35470480). In at least one patient with Wilson disease, the variant was confirmed to be on the same allele as another pathogenic variant (c.1708-1G>C; Fang et al. 2021. PubMed ID: 33763395). This variant has also been described as a polymorphism in a group of Taiwanese Wilson disease patients (Tsai et al. 1998. PubMed ID: 9829905). This variant is reported in 0.020% of alleles in individuals of East Asian descent in gnomAD. Although we suspect that this variant may be benign, at this time, the clinical significance of this variant is uncertain due to the absence of conclusive functional and genetic evidence.

Natera, Inc.
Classification: Uncertain significance for Wilson disease. Last evaluated: 2020-08-30. Review status: no assertion criteria provided. Collection method: clinical testing. Allele origin: germline. Not counted in ClinVar's aggregate classification.

Literature cited by the submitters: PubMed 11405812 (cited by 3 submitters); PubMed 24878384 (cited by 4 submitters); PubMed 27022412 (cited by 4 submitters); PubMed 27982432 (cited by 3 submitters); PubMed 23235335 (cited by Women's Health and Genetics/Laboratory Corporation of America, LabCorp); PubMed 9829905 (cited by Women's Health and Genetics/Laboratory Corporation of America, LabCorp); PubMed 29063292 (cited by Women's Health and Genetics/Laboratory Corporation of America, LabCorp); PubMed 27706781 (cited by Women's Health and Genetics/Laboratory Corporation of America, LabCorp).